The following is an entry in ClinVar:

ClinVar aggregate classification (germline): Uncertain significance (1 of 4 stars; one submission).

Allele frequency attached by ClinVar (database versions not stated): ExAC 0.00001; gnomAD 0.00001; TOPMed 0.00002; gnomAD exomes 0.00004.
gnomAD v4.1: 59 of 1,614,088 alleles (0.0037%); highest among the groups gnomAD compares: Non-Finnish European, 0.0047%; no homozygotes.

Submission:

Labcorp Genetics (formerly Invitae), Labcorp
Classification: Uncertain significance. Last evaluated: 2023-11-27. Review status: criteria provided, single submitter. Criteria: Invitae Variant Classification Sherloc (09022015). Collection method: clinical testing. Allele origin: germline.
Comment: This sequence change replaces serine, which is neutral and polar, with phenylalanine, which is neutral and non-polar, at codon 133 of the ZNF687 protein (p.Ser133Phe). This variant is present in population databases (rs774137890, gnomAD 0.003%). This variant has not been reported in the literature in individuals affected with ZNF687-related conditions. ClinVar contains an entry for this variant (Variation ID: 2150079). An algorithm developed to predict the effect of missense changes on protein structure and function (PolyPhen-2) suggests that this variant is likely to be tolerated. In summary, the available evidence is currently insufficient to determine the role of this variant in disease. Therefore, it has been classified as a Variant of Uncertain Significance.

NM_020832.3(ZNF687):c.398C>T (p.Ser133Phe)

Gene: ZNF687 (zinc finger protein 687; plus strand). Cytogenetic location: 1q21.3.
Variant type: single nucleotide variant.
Coding change: c.398C>T on transcript NM_020832.3 (MANE Select); coding-DNA position 398, C replaced by T.
Protein change: p.Ser133Phe; replaces serine 133 with phenylalanine.
Molecular consequence: missense variant.
Genome position (GRCh38, 1-based): chr1:151,286,689, C>T. VCF-style: chr1-151286689-C-T. GRCh37 (hg19) VCF-style: chr1-151259165-C-T.
Other names: c.398C>T, p.Ser133Phe (NM_001304763.2, NM_001304764.2); short protein forms S133F.
Identifiers: ClinVar variation 2150079 (VCV002150079.4), dbSNP rs774137890, ClinGen allele CA1088154.